The following is an entry in ClinVar:

ClinVar aggregate classification (germline): Uncertain significance. Review status: criteria provided, multiple submitters, no conflicts (2 of 4 stars). 3 submissions from 3 submitters: Uncertain significance (3). Last evaluated 2023-08-11.

Conditions:
TTN-related disorder. Also called: TTN-related condition; TTN-related disease; TTN-related disorders.
Myopathy, myofibrillar, 9, with early respiratory failure (MFM9). Also called: EDSTROM MYOPATHY; MYOPATHY, PROXIMAL, WITH EARLY RESPIRATORY MUSCLE INVOLVEMENT; Myopathy, distal, with early respiratory failure, autosomal dominant; Hereditary myopathy with early respiratory failure. Identifiers: Orphanet 178464, Orphanet 34521, MedGen C1863599, MONDO:0011362, OMIM 603689.
Early-onset myopathy with fatal cardiomyopathy (CMYO5). Also called: CONGENITAL MYOPATHY 5 WITH CARDIOMYOPATHY; Salih Myopathy. Identifiers: Orphanet 289377, MedGen C2673677, MONDO:0012714, OMIM 611705. Disease mechanism: loss of function.
Hypertrophic cardiomyopathy 9. Also called: Familial hypertrophic cardiomyopathy 9. Identifiers: MedGen C1861065, MONDO:0013412, OMIM 613765.
Dilated cardiomyopathy 1G (CMD1G). Identifiers: Orphanet 154, MedGen C1858763, MONDO:0011400, OMIM 604145.
Tibial muscular dystrophy (TMD). Also called: UDD MYOPATHY; Tibial muscular dystrophy, tardive; Udd Distal Myopathy – Tibial Muscular Dystrophy. Identifiers: Orphanet 609, MedGen C1838244, MONDO:0010870, OMIM 600334.
Autosomal recessive limb-girdle muscular dystrophy type 2J (LGMDR10). Also called: MUSCULAR DYSTROPHY, LIMB-GIRDLE, AUTOSOMAL RECESSIVE 10; Limb-girdle muscular dystrophy, type 2J. Identifiers: Orphanet 140922, MedGen C1837342, MONDO:0012127, OMIM 608807.

Allele frequency attached by ClinVar (database versions not stated): gnomAD exomes below 0.00001 and 0.00001; TOPMed 0.00001.
gnomAD v4.1: 3 of 1,614,082 alleles (0.00019%); highest among the groups gnomAD compares: Non-Finnish European, 0.00025%; no homozygotes.

Submissions (3):

PreventionGenetics, part of Exact Sciences
Classification: Uncertain significance for TTN-related condition. Last evaluated: 2023-08-11. Review status: criteria provided, single submitter. Criteria: ACMG Guidelines, 2015. Collection method: clinical testing. Allele origin: germline.
Comment: The TTN c.9875A>G variant is predicted to result in the amino acid substitution p.Gln3292Arg. To our knowledge, this variant has not been reported in the literature. This variant is reported in 0.00088% of alleles in individuals of European (Non-Finnish) descent in gnomAD. At this time, the clinical significance of this variant is uncertain due to the absence of conclusive functional and genetic evidence.

Fulgent Genetics
Classification: Uncertain significance for Tibial muscular dystrophy; Myopathy, myofibrillar, 9, with early respiratory failure; Dilated cardiomyopathy 1G; Autosomal recessive limb-girdle muscular dystrophy type 2J; Early-onset myopathy with fatal cardiomyopathy; Hypertrophic cardiomyopathy 9. Last evaluated: 2021-07-12. Review status: criteria provided, single submitter. Criteria: ACMG Guidelines, 2015. Collection method: clinical testing. Allele origin: unknown.

GeneDx
Classification: Uncertain significance. Last evaluated: 2014-10-03. Review status: criteria provided, single submitter. Criteria: GeneDx Variant Classification (06012015). Collection method: clinical testing. Allele origin: germline. Affected: yes.
Comment: Missense variants in the TTN gene are considered 'unclassified' if they are not previously reported in the literature and do not have >1% frequency in the population to be considered a polymorphism. Research indicates that truncating mutations in the TTN gene are expected to account for approximately 25% of familial and 18% of sporadic idiopathic DCM; however, truncating variants in the TTN gene have been reported in approximately 3% of reported control alleles. There has been little investigation into non-truncating variants. (Herman D et al. Truncations of titin causing dilated cardiomyopathy. N Eng J Med 366:619-628, 2012) The variant is found in CARDIOMYOPATHY panel(s).

NM_001267550.2(TTN):c.9875A>G (p.Gln3292Arg)

Gene: TTN (titin; minus strand). Cytogenetic location: 2q31.2.
Variant type: single nucleotide variant.
Coding change: c.9875A>G on transcript NM_001267550.2 (MANE Select); coding-DNA position 9875, A replaced by G.
Protein change: p.Gln3292Arg; replaces glutamine 3292 with arginine.
Molecular consequence: missense variant.
Genome position (GRCh38, 1-based): chr2:178,764,640, T>C on the plus strand (A>G on the coding strand, the complement: TTN is on the minus strand). VCF-style: chr2-178764640-T-C. GRCh37 (hg19) VCF-style: chr2-179629367-T-C.
Other names: p.Q3292R:CAA>CGA; c.9875A>G (NM_133379.4); c.9737A>G, p.Gln3246Arg (NM_003319.4, NM_133432.3, NM_133437.4); c.9875A>G, p.Gln3292Arg (NM_133378.4, NM_133379.5, NM_001256850.1); short protein forms Q3292R, Q3246R.
Identifiers: ClinVar variation 203173 (VCV000203173.4), dbSNP rs794729586, ClinGen allele CA311572.
Genomic context (GRCh38, chr2:178,764,640, plus strand): 5'-TCACAGGTATAGACTGCCGCATCCTCTGGGAAGGCTTCAATTAGCAAAAGCGTGTATTCT[T>C]GCCCATCATGAAGAAATTTGCACTTGAAGCCAGTGGAAAGCAGCTGCTCTTCCTTGTACC-3'
Protein context (NP_001254479.2, residues 3282-3302): GFKCKFLHDG[Gln3292Arg]EYTLLLIEAF